The following is an entry in ClinVar:

NM_000257.4(MYH7):c.2632G>C (p.Val878Leu)

Genes: MYH7 (myosin heavy chain 7; minus strand), LOC126861898 (BRD4-independent group 4 enhancer GRCh37_chr14:23893609-23894808; plus strand). Cytogenetic location: 14q11.2.
Variant type: single nucleotide variant.
Coding change: c.2632G>C on transcript NM_000257.4 (MANE Select); coding-DNA position 2632, G replaced by C.
Protein change: p.Val878Leu; replaces valine 878 with leucine.
Molecular consequence: missense variant.
Genome position (GRCh38, 1-based): chr14:23,424,816, C>G on the plus strand (G>C on the coding strand, the complement: MYH7 is on the minus strand). VCF-style: chr14-23424816-C-G. GRCh37 (hg19) VCF-style: chr14-23894025-C-G.
Other names: p.V878L:GTG>CTG; c.2632G>C (LRG_384t1); short protein forms V878L.
Identifiers: ClinVar variation 181197 (VCV000181197.13), dbSNP rs730880751, ClinGen allele CA012769.

ClinVar aggregate classification (germline): Conflicting classifications of pathogenicity. Review status: criteria provided, conflicting classifications (1 of 4 stars). 3 submissions from 3 submitters: Pathogenic (1); Uncertain significance (2). Last evaluated 2025-04-02.

Conditions:
Cardiovascular phenotype. Identifiers: MedGen CN230736.
Hypertrophic cardiomyopathy. Also called: HYPERTROPHIC MYOCARDIOPATHY. Identifiers: Orphanet 217569, MedGen C0007194, MeSH D002312, MONDO:0005045, HP:0001639.

Submissions (3):

Ambry Genetics
Classification: Uncertain significance for Cardiovascular phenotype. Last evaluated: 2025-04-02. Review status: criteria provided, single submitter. Criteria: Ambry Variant Classification Scheme 2023. Collection method: clinical testing. Allele origin: germline.
Comment: The p.V878L variant (also known as c.2632G>C), located in coding exon 20 of the MYH7 gene, results from a G to C substitution at nucleotide position 2632. The valine at codon 878 is replaced by leucine, an amino acid with highly similar properties. This variant has been reported in a family with hypertrophic cardiomyopathy (HCM) (Du Y et al. Int Heart J, 2019 Nov;60:1415-1420). This alteration is located in the myosin head domain, which contains a statistically significant clustering of pathogenic missense variants (Homburger JR et al. Proc Natl Acad Sci U S A, 2016 06;113:6701-6; Walsh R et al. Genet Med, 2017 02;19:192-203; Ambry internal data). This amino acid position is highly conserved in available vertebrate species. In addition, the in silico prediction for this alteration is inconclusive. Based on the available evidence, the clinical significance of this variant remains unclear.

Labcorp Genetics (formerly Invitae), Labcorp
Classification: Pathogenic for Hypertrophic cardiomyopathy. Last evaluated: 2023-10-13. Review status: criteria provided, single submitter. Criteria: Invitae Variant Classification Sherloc (09022015). Collection method: clinical testing. Allele origin: germline.
Comment: This sequence change replaces valine, which is neutral and non-polar, with leucine, which is neutral and non-polar, at codon 878 of the MYH7 protein (p.Val878Leu). This variant is not present in population databases (gnomAD no frequency). This missense change has been observed in individuals with hypertrophic cardiomyopathy (PMID: 31735781; Invitae). It has also been observed to segregate with disease in related individuals. ClinVar contains an entry for this variant (Variation ID: 181197). Advanced modeling of protein sequence and biophysical properties (such as structural, functional, and spatial information, amino acid conservation, physicochemical variation, residue mobility, and thermodynamic stability) performed at Invitae indicates that this missense variant is expected to disrupt MYH7 protein function. This variant disrupts the p.Val878 amino acid residue in MYH7. Other variant(s) that disrupt this residue have been determined to be pathogenic (PMID: 25132132, 28777849). This suggests that this residue is clinically significant, and that variants that disrupt this residue are likely to be disease-causing. For these reasons, this variant has been classified as Pathogenic.

GeneDx
Classification: Uncertain significance. Last evaluated: 2016-09-13. Review status: criteria provided, single submitter. Criteria: GeneDx Variant Classification (06012015). Collection method: clinical testing. Allele origin: germline. Affected: yes.
Comment: The V878L variant has not been published as a pathogenic variant, nor has it been reported as a benign variant to our knowledge. The V878L variant was not observed in approximately 6,500 individuals of European and African American ancestry in the NHLBI Exome Sequencing Project, indicating it is not a common benign variant in these populations. However, the V878L variant is a conservative amino acid substitution, which is not likely to impact secondary protein structure as these residues share similar properties. Nevertheless, this substitution occurs at a position that is conserved across species. Consequently, in silico analysis is inconsistent in its predictions as to whether or not the variant is damaging to the protein structure/function. Lastly, although variants affecting the same residue (V878M, V878G, V878A) have been reported in HGMD in association with HCM (Stenson et al., 2014), the clinical significance of these variants has not been definitively determined.

Literature cited by the submitters: PubMed 31735781 (cited by Ambry Genetics and Labcorp Genetics (formerly Invitae), Labcorp); PubMed 25132132 (cited by Labcorp Genetics (formerly Invitae), Labcorp); PubMed 28777849 (cited by Labcorp Genetics (formerly Invitae), Labcorp).